The following is an entry in ClinVar:

ClinVar aggregate classification (germline): Uncertain significance. Review status: criteria provided, multiple submitters, no conflicts (2 of 4 stars). 2 submissions from 2 submitters: Uncertain significance (2). Last evaluated 2025-05-21.

Conditions:
Malignant hyperthermia, susceptibility to, 1 (MHS1). Also called: Anesthesia related hyperthermia; Malignant hyperpyrexia; Fulminating hyperpyrexia; Pharmacogenic myopathy; RYR1-Related Malignant Hyperthermia Susceptibility; Malignant hyperthermia suceptibility 1. Identifiers: Orphanet 423, MedGen C2930980, MONDO:0007783, OMIM 145600.
Inborn genetic diseases. Identifiers: MedGen C0950123, MeSH D030342.

gnomAD v4.1: 15 of 1,613,132 alleles (0.00093%); highest among the groups gnomAD compares: Non-Finnish European, 0.0011%; no homozygotes.

Submissions (2):

Color Diagnostics, LLC DBA Color Health
Classification: Uncertain significance for Malignant hyperthermia, susceptibility to, 1. Last evaluated: 2025-05-21. Review status: criteria provided, single submitter. Criteria: ACMG Guidelines, 2015. Collection method: clinical testing. Allele origin: germline.
Comment: This missense variant replaces isoleucine with valine at codon 586 of the RYR1 protein. Computational prediction suggests that this variant may have deleterious impact on protein structure and function. To our knowledge, functional studies have not been reported for this variant. This variant has not been reported in individuals affected with RYR1-related disorders in the literature. This variant has not been identified in the general population by the Genome Aggregation Database (gnomAD). The available evidence is insufficient to determine the role of this variant in disease conclusively. Therefore, this variant is classified as a Variant of Uncertain Significance.

Ambry Genetics
Classification: Uncertain significance for Inborn genetic diseases. Last evaluated: 2024-12-12. Review status: criteria provided, single submitter. Criteria: Ambry Variant Classification Scheme 2023. Collection method: clinical testing. Allele origin: germline.

NM_000540.3(RYR1):c.1756A>G (p.Ile586Val)

Gene: RYR1 (ryanodine receptor 1; plus strand). Cytogenetic location: 19q13.2.
Variant type: single nucleotide variant.
Coding change: c.1756A>G on transcript NM_000540.3 (MANE Select); coding-DNA position 1756, A replaced by G.
Protein change: p.Ile586Val; replaces isoleucine 586 with valine.
Molecular consequence: missense variant.
Genome position (GRCh38, 1-based): chr19:38,455,716, A>G. VCF-style: chr19-38455716-A-G. GRCh37 (hg19) VCF-style: chr19-38946356-A-G.
Other names: c.1756A>G, p.Ile586Val (NM_001042723.2); short protein forms I586V.
Identifiers: ClinVar variation 3791589 (VCV003791589.2).